The following is an entry in ClinVar:

NM_001382430.1(AKT1):c.416C>T (p.Ala139Val)

Gene: AKT1 (AKT serine/threonine kinase 1; minus strand). Cytogenetic location: 14q32.33.
Variant type: single nucleotide variant.
Coding change: c.416C>T on transcript NM_001382430.1 (MANE Select); coding-DNA position 416, C replaced by T.
Protein change: p.Ala139Val; replaces alanine 139 with valine.
Molecular consequence: missense variant.
Genome position (GRCh38, 1-based): chr14:104,775,671, G>A on the plus strand (C>T on the coding strand, the complement: AKT1 is on the minus strand). VCF-style: chr14-104775671-G-A. GRCh37 (hg19) VCF-style: chr14-105242008-G-A.
Other names: c.416C>T, p.Ala139Val (NM_001014431.2, NM_001014432.2, NM_001382431.1 and 3 more transcripts); short protein forms A139V.
Identifiers: ClinVar variation 2064329 (VCV002064329.4), dbSNP rs1445658903, ClinGen allele CA391219980.

ClinVar aggregate classification (germline): Uncertain significance (1 of 4 stars; one submission).

Conditions:
Cowden syndrome 6 (CWS6). Identifiers: Orphanet 201, MedGen C3554519, MONDO:0014048, OMIM 615109.

Allele frequency attached by ClinVar (database versions not stated): gnomAD exomes below 0.00001.
gnomAD v4.1: 2 of 1,614,042 alleles (0.00012%); highest among the groups gnomAD compares: South Asian, 0.0011%; no homozygotes.

Submission:

Labcorp Genetics (formerly Invitae), Labcorp
Classification: Uncertain significance for Cowden syndrome 6. Last evaluated: 2022-07-14. Review status: criteria provided, single submitter. Criteria: Invitae Variant Classification Sherloc (09022015). Collection method: clinical testing. Allele origin: germline.
Comment: In summary, the available evidence is currently insufficient to determine the role of this variant in disease. Therefore, it has been classified as a Variant of Uncertain Significance. Algorithms developed to predict the effect of missense changes on protein structure and function (SIFT, PolyPhen-2, Align-GVGD) all suggest that this variant is likely to be tolerated. This variant has not been reported in the literature in individuals affected with AKT1-related conditions. This variant is present in population databases (no rsID available, gnomAD 0.0009%). This sequence change replaces alanine, which is neutral and non-polar, with valine, which is neutral and non-polar, at codon 139 of the AKT1 protein (p.Ala139Val).